The following is an entry in ClinVar:

ClinVar aggregate classification (germline): Uncertain significance (1 of 4 stars; one submission).

Conditions:
Acromesomelic dysplasia 1, Maroteaux type (AMD1). Also called: ACROMESOMELIC DYSPLASIA 1; ST. HELENA DYSPLASIA. Identifiers: Orphanet 40, MedGen C1864356, MONDO:0011275, OMIM 602875.
Tall stature-scoliosis-macrodactyly of the great toes syndrome. Also called: Epiphyseal chondrodysplasia, miura type. Identifiers: Orphanet 329191, MedGen C4014690, MONDO:0014401, OMIM 615923.

Allele frequency attached by ClinVar (database versions not stated): gnomAD exomes below 0.00001; gnomAD 0.00001; TOPMed 0.00001.
gnomAD v4.1: 3 of 1,613,978 alleles (0.00019%); highest among the groups gnomAD compares: Admixed American, 0.005%; no homozygotes.

Submission:

Labcorp Genetics (formerly Invitae), Labcorp
Classification: Uncertain significance for Tall stature-scoliosis-macrodactyly of the great toes syndrome; Acromesomelic dysplasia 1, Maroteaux type. Last evaluated: 2023-04-09. Review status: criteria provided, single submitter. Criteria: Invitae Variant Classification Sherloc (09022015). Collection method: clinical testing. Allele origin: germline.
Comment: In summary, the available evidence is currently insufficient to determine the role of this variant in disease. Therefore, it has been classified as a Variant of Uncertain Significance. Advanced modeling of protein sequence and biophysical properties (such as structural, functional, and spatial information, amino acid conservation, physicochemical variation, residue mobility, and thermodynamic stability) performed at Invitae indicates that this missense variant is not expected to disrupt NPR2 protein function. This variant has not been reported in the literature in individuals affected with NPR2-related conditions. This variant is present in population databases (no rsID available, gnomAD 0.006%). This sequence change replaces proline, which is neutral and non-polar, with serine, which is neutral and polar, at codon 432 of the NPR2 protein (p.Pro432Ser).

NM_003995.4(NPR2):c.1294C>T (p.Pro432Ser)

Gene: NPR2 (natriuretic peptide receptor 2; plus strand). Cytogenetic location: 9p13.3.
Variant type: single nucleotide variant.
Coding change: c.1294C>T on transcript NM_003995.4 (MANE Select); coding-DNA position 1294, C replaced by T.
Protein change: p.Pro432Ser; replaces proline 432 with serine.
Molecular consequence: missense variant.
Genome position (GRCh38, 1-based): chr9:35,800,784, C>T. VCF-style: chr9-35800784-C-T. GRCh37 (hg19) VCF-style: chr9-35800781-C-T.
Other names: c.1294C>T, p.Pro432Ser (NM_001378923.1); short protein forms P432S.
Identifiers: ClinVar variation 2924076 (VCV002924076.3), dbSNP rs1185438999, ClinGen allele CA373371166.
Genomic context (GRCh38, chr9:35,800,784, plus strand): 5'-TCGGGAGCTGAGAAGCAGATTTGGTGGACGGGACGGCCTATTCCCTGGGTGAAGGGGGCT[C>T]CTCCCTCGGACAATCCCCCCTGTGCCTTTGACTTGGACGACCCATCCTGTGATAAAAGTG-3'
Protein context (NP_003986.2, residues 422-442): GRPIPWVKGA[Pro432Ser]PSDNPPCAFD